The following is an entry in ClinVar:

ClinVar aggregate classification (germline): Uncertain significance (1 of 4 stars; one submission).

Submission:

Ambry Genetics
Classification: Uncertain significance. Last evaluated: 2023-05-05. Review status: criteria provided, single submitter. Criteria: Ambry Variant Classification Scheme 2023. Collection method: clinical testing. Allele origin: germline.
Comment: The p.R273G variant (also known as c.817A>G), located in coding exon 6 of the NQO1 gene, results from an A to G substitution at nucleotide position 817. The arginine at codon 273 is replaced by glycine, an amino acid with dissimilar properties. This amino acid position is conserved. In addition, this alteration is predicted to be tolerated by in silico analysis. Since supporting evidence is limited at this time, the clinical significance of this alteration remains unclear.

NM_000903.3(NQO1):c.817A>G (p.Arg273Gly)

Gene: NQO1 (NAD(P)H quinone dehydrogenase 1; minus strand). Cytogenetic location: 16q22.1.
Variant type: single nucleotide variant.
Coding change: c.817A>G on transcript NM_000903.3 (MANE Select); coding-DNA position 817, A replaced by G.
Protein change: p.Arg273Gly; replaces arginine 273 with glycine.
Molecular consequence: missense variant.
Genome position (GRCh38, 1-based): chr16:69,710,984, T>C on the plus strand (A>G on the coding strand, the complement: NQO1 is on the minus strand). VCF-style: chr16-69710984-T-C. GRCh37 (hg19) VCF-style: chr16-69744887-T-C.
Other names: c.715A>G, p.Arg239Gly (NM_001025433.2); c.703A>G, p.Arg235Gly (NM_001025434.2); c.601A>G, p.Arg201Gly (NM_001286137.2); short protein forms R201G, R273G, R235G, R239G.
Identifiers: ClinVar variation 2565188 (VCV002565188.2), dbSNP rs2544317647, ClinGen allele CA396487235.
Genomic context (GRCh38, chr16:69,710,984, plus strand): 5'-AAAGATACCCAGATTTGATAACATGTTAGAAGGAAATCCAGGCTAAGGAATCTCATTTTC[T>C]AGCTTTGATCTGGTTGTCAGTTGGGATGGACTTGCCCAAGTGATGGCCCACAGAAAGGCC-3'
Protein context (NP_000894.1, residues 263-274): SIPTDNQIKA[Arg273Gly]K